The following is an entry in ClinVar:

ClinVar aggregate classification (germline): Uncertain significance (1 of 4 stars; one submission).

Conditions:
Ataxia-telangiectasia syndrome (AT). Also called: Ataxia-telangiectasia, complementation group D; AT, COMPLEMENTATION GROUP C; ATAXIA-TELANGIECTASIA, COMPLEMENTATION GROUP A; ATAXIA-TELANGIECTASIA, FRESNO VARIANT; Ataxia-telangiectasia; LOUIS-BAR SYNDROME. Identifiers: Orphanet 100, MedGen C0004135, MONDO:0008840, OMIM 208900.

Submission:

Labcorp Genetics (formerly Invitae), Labcorp
Classification: Uncertain significance for Ataxia-telangiectasia syndrome. Last evaluated: 2024-05-21. Review status: criteria provided, single submitter. Criteria: Invitae Variant Classification Sherloc (09022015). Collection method: clinical testing. Allele origin: germline.
Comment: This sequence change replaces valine, which is neutral and non-polar, with glycine, which is neutral and non-polar, at codon 2727 of the ATM protein (p.Val2727Gly). This variant is not present in population databases (gnomAD no frequency). This variant has not been reported in the literature in individuals affected with ATM-related conditions. ClinVar contains an entry for this variant (Variation ID: 662456). An algorithm developed to predict the effect of missense changes on protein structure and function (PolyPhen-2) suggests that this variant is likely to be disruptive. In summary, the available evidence is currently insufficient to determine the role of this variant in disease. Therefore, it has been classified as a Variant of Uncertain Significance.

NM_000051.4(ATM):c.8180T>G (p.Val2727Gly)

Genes: ATM (ATM serine/threonine kinase; plus strand), C11orf65 (chromosome 11 open reading frame 65; minus strand). Cytogenetic location: 11q22.3.
Variant type: single nucleotide variant.
Coding change: c.8180T>G on transcript NM_000051.4 (MANE Select); coding-DNA position 8180, T replaced by G.
Protein change: p.Val2727Gly; replaces valine 2727 with glycine.
Molecular consequence: missense variant. On other transcripts: intron variant (2).
Genome position (GRCh38, 1-based): chr11:108,335,873, T>G. VCF-style: chr11-108335873-T-G. GRCh37 (hg19) VCF-style: chr11-108206600-T-G.
Other names: c.8180T>G, p.Val2727Gly (NM_001351834.2); c.641-26802A>C (NM_001330368.2); c.695-581A>C (NM_001351110.2); short protein forms V2727G.
Identifiers: ClinVar variation 662456 (VCV000662456.9), dbSNP rs1565543359, ClinGen allele CA382562516.